The following is an entry in ClinVar:

NM_001291867.2(NHS):c.1995G>A (p.Ser665=)

Gene: NHS (NHS actin remodeling regulator; plus strand). Cytogenetic location: Xp22.13.
Variant type: single nucleotide variant.
Coding change: c.1995G>A on transcript NM_001291867.2 (MANE Select); coding-DNA position 1995, G replaced by A.
Protein change: p.Ser665=; no amino-acid change (serine 665 retained).
Molecular consequence: synonymous variant.
Genome position (GRCh38, 1-based): chrX:17,726,101, G>A. VCF-style: chrX-17726101-G-A. GRCh37 (hg19) VCF-style: chrX-17744221-G-A.
Other names: c.1464G>A, p.Ser488= (NM_001136024.4); c.1401G>A, p.Ser467= (NM_001291868.2); c.1932G>A, p.Ser644= (NM_198270.4).
Identifiers: ClinVar variation 2660086 (VCV002660086.27), dbSNP rs779565943, ClinGen allele CA10358679.

ClinVar aggregate classification (germline): Benign/Likely benign. Review status: criteria provided, multiple submitters, no conflicts (2 of 4 stars). 2 submissions from 2 submitters: Benign (1); Likely benign (1). Last evaluated 2025-09-08.

Conditions:
Nance-Horan syndrome (NHS). Identifiers: Orphanet 627, MedGen C0796085, MONDO:0010545, OMIM 302350.

Allele frequency attached by ClinVar (database versions not stated): ExAC 0.00009; gnomAD exomes 0.00017.
gnomAD v4.1: 197 of 1,210,072 alleles (0.016%); highest among the groups gnomAD compares: Non-Finnish European, 0.02%; no homozygotes.

Submissions (2):

Labcorp Genetics (formerly Invitae), Labcorp
Classification: Benign for Nance-Horan syndrome. Last evaluated: 2025-09-08. Review status: criteria provided, single submitter. Criteria: Invitae Variant Classification Sherloc (09022015). Collection method: clinical testing. Allele origin: germline.

CeGaT Center for Human Genetics Tuebingen
Classification: Likely benign. Last evaluated: 2025-04-01. Review status: criteria provided, single submitter. Criteria: CeGaT Center For Human Genetics Tuebingen Variant Classification Criteria Version 2. Collection method: clinical testing. Allele origin: germline. Affected: yes. Observed: 4 variant alleles.
Comment: NHS: BP4, BP7, BS2